The following is an entry in ClinVar:

ClinVar aggregate classification (germline): Benign/Likely benign. Review status: criteria provided, multiple submitters, no conflicts (2 of 4 stars). 5 submissions from 5 submitters: Benign (1); Likely benign (4). Last evaluated 2025-04-16.

Conditions:
HK1-related disorder. Also called: HK1-related disorders; HK1-related condition.
Retinal dystrophy. Also called: Inherited retinal dystrophy. Identifiers: Orphanet 71862, MedGen C0854723, MeSH D058499, MONDO:0019118, HP:0000556.

Allele frequency attached by ClinVar (database versions not stated): gnomAD 0.00001 and 0.00003; TOPMed 0.00002; gnomAD exomes 0.00003 and 0.00006; ExAC 0.00006; 1000 Genomes Project 30x 0.00016; 1000 Genomes Project 0.00020.
gnomAD v4.1: 52 of 1,613,812 alleles (0.0032%); highest among the groups gnomAD compares: South Asian, 0.031%; no homozygotes.

Submissions (5):

Labcorp Genetics (formerly Invitae), Labcorp
Classification: Likely benign. Last evaluated: 2025-04-16. Review status: criteria provided, single submitter. Criteria: Invitae Variant Classification Sherloc (09022015). Collection method: clinical testing. Allele origin: germline.

PreventionGenetics, part of Exact Sciences
Classification: Likely benign for HK1-related condition. Last evaluated: 2025-02-04. Review status: criteria provided, single submitter. Criteria: ACMG Guidelines, 2015. Collection method: clinical testing. Allele origin: germline.
Comment: This variant is classified as likely benign based on ACMG/AMP sequence variant interpretation guidelines (Richards et al. 2015 PMID: 25741868, with internal and published modifications).

Blueprint Genetics
Classification: Likely benign. Last evaluated: 2024-11-22. Review status: criteria provided, single submitter. Criteria: ACMG Guidelines, 2015. Collection method: clinical testing. Allele origin: germline.

CeGaT Center for Human Genetics Tuebingen
Classification: Likely benign. Last evaluated: 2023-10-01. Review status: criteria provided, single submitter. Criteria: CeGaT Center For Human Genetics Tuebingen Variant Classification Criteria Version 2. Collection method: clinical testing. Allele origin: germline. Affected: yes. Observed: 1 variant allele.
Comment: HK1: BP4, BP7

Dept Of Ophthalmology, Nagoya University
Classification: Benign for Retinal dystrophy. Last evaluated: 2023-10-01. Review status: criteria provided, single submitter. Criteria: Submitter's publication. Collection method: research. Allele origin: germline. Affected: yes.

NM_000188.3(HK1):c.1893C>T (p.His631=)

Gene: HK1 (hexokinase 1; plus strand). Cytogenetic location: 10q22.1.
Variant type: single nucleotide variant.
Coding change: c.1893C>T on transcript NM_000188.3 (MANE Select); coding-DNA position 1893, C replaced by T.
Protein change: p.His631=; no amino-acid change (histidine 631 retained).
Molecular consequence: synonymous variant.
Genome position (GRCh38, 1-based): chr10:69,386,376, C>T. VCF-style: chr10-69386376-C-T. GRCh37 (hg19) VCF-style: chr10-71146132-C-T.
Other names: c.1893C>T (NM_000188.2); c.1905C>T, p.His635= (NM_001322364.2, NM_001358263.1, NM_033497.3 and 1 more transcripts); c.1998C>T, p.His666= (NM_001322365.2); c.1809C>T, p.His603= (NM_001322366.1); c.1797C>T, p.His599= (NM_001322367.1); c.1890C>T, p.His630= (NM_033496.3); c.1857C>T, p.His619= (NM_033500.2).
Identifiers: ClinVar variation 1608455 (VCV001608455.34), dbSNP rs555712237, ClinGen allele CA5532717.